The following is an entry in ClinVar:

ClinVar aggregate classification (germline): Conflicting classifications of pathogenicity. Review status: criteria provided, conflicting classifications (1 of 4 stars). 4 submissions from 4 submitters: Uncertain significance (2); Benign (1); Likely benign (1). Last evaluated 2026-01-14.

Conditions:
Hereditary pulmonary alveolar proteinosis. Also called: Pulmonary surfactant metabolism dysfunction. Identifiers: Orphanet 264675, MedGen C3711368, MONDO:0012580.
Interstitial lung disease due to ABCA3 deficiency. Also called: PULMONARY ALVEOLAR PROTEINOSIS, CONGENITAL, 3. Identifiers: Orphanet 440402, MedGen C1970456, MONDO:0012582, OMIM 610921.

Allele frequency attached by ClinVar (database versions not stated): ESP Exome Variant Server 0.00008; gnomAD exomes 0.00009; gnomAD 0.00019; TOPMed 0.00019; ExAC 0.00033; 1000 Genomes Project 0.00040; 1000 Genomes Project 30x 0.00047.
gnomAD v4.1: 169 of 1,614,044 alleles (0.01%); highest among the groups gnomAD compares: East Asian, 0.15%; no homozygotes.

Submissions (4):

Labcorp Genetics (formerly Invitae), Labcorp
Classification: Likely benign. Last evaluated: 2026-01-14. Review status: criteria provided, single submitter. Criteria: Invitae Variant Classification Sherloc (09022015). Collection method: clinical testing. Allele origin: germline.

Ambry Genetics
Classification: Benign for Hereditary pulmonary alveolar proteinosis. Last evaluated: 2026-01-09. Review status: criteria provided, single submitter. Criteria: Ambry Variant Classification Scheme 2023. Collection method: clinical testing. Allele origin: germline.

Blueprint Genetics
Classification: Uncertain significance. Last evaluated: 2024-01-23. Review status: criteria provided, single submitter. Criteria: ACMG Guidelines, 2015. Collection method: clinical testing. Allele origin: germline.

Juno Genomics, Hangzhou Juno Genomics, Inc
Classification: Uncertain significance for Interstitial lung disease due to ABCA3 deficiency. Review status: criteria provided, single submitter. Criteria: ACMG Guidelines, 2015. Collection method: clinical testing. Allele origin: germline.
Comment: Absent from controls (or at extremely low frequency if recessive) in Genome Aggregation Database.;Multiple lines of computational evidence support a deleterious effect on the gene or gene product.

NM_001089.3(ABCA3):c.277G>A (p.Val93Ile)

Gene: ABCA3 (ATP binding cassette subfamily A member 3; minus strand). Cytogenetic location: 16p13.3.
Variant type: single nucleotide variant.
Coding change: c.277G>A on transcript NM_001089.3 (MANE Select); coding-DNA position 277, G replaced by A.
Protein change: p.Val93Ile; replaces valine 93 with isoleucine.
Molecular consequence: missense variant.
Genome position (GRCh38, 1-based): chr16:2,326,052, C>T on the plus strand (G>A on the coding strand, the complement: ABCA3 is on the minus strand). VCF-style: chr16-2326052-C-T. GRCh37 (hg19) VCF-style: chr16-2376053-C-T.
Other names: c.277G>A (NM_001089.2); short protein forms V93I.
Identifiers: ClinVar variation 2075267 (VCV002075267.8), dbSNP rs199840288, ClinGen allele CA7841748.
Genomic context (GRCh38, chr16:2,326,052, plus strand): 5'-AGCCCCGGCATGTCTCACCTCGCATGTTGATCACAAGTGCCCTGCGCACTGTCTCAGTGA[C>T]GGTCTTGGCAGCGTCACTGTGAGAAGGGATGTAGGCAAGCTCCCAGGTGTCTCCTGGCGG-3'
Protein context (NP_001080.2, residues 83-103): IPSHSDAAKT[Val93Ile]TETVRRALVI